The following is an entry in ClinVar:

NM_006486.3(FBLN1):c.1203C>T (p.Asn401=)

Gene: FBLN1 (fibulin 1; plus strand). Cytogenetic location: 22q13.31.
Variant type: single nucleotide variant.
Coding change: c.1203C>T on transcript NM_006486.3 (MANE Select); coding-DNA position 1203, C replaced by T.
Protein change: p.Asn401=; no amino-acid change (asparagine 401 retained).
Molecular consequence: synonymous variant.
Genome position (GRCh38, 1-based): chr22:45,543,408, C>T. VCF-style: chr22-45543408-C-T. GRCh37 (hg19) VCF-style: chr22-45939288-C-T.
Other names: c.1203C>T, p.Asn401= (NM_001996.4, NM_006485.4, NM_006487.3).
Identifiers: ClinVar variation 5038990 (VCV005038990.1).
Genomic context (GRCh38, chr22:45,543,408, plus strand): 5'-GTGGTGCCACTGTGTTGGACATTGCCCTGAGTCAGCCCACCCCTCACTTTCAGATGTCAA[C>T]GAGTGCCAGCGCTACCCCGGGCGCCTGTGTGGCCACAAGTGCGAGAACACGCTGGGCTCC-3'
Protein context (NP_006477.3, residues 391-411): DGISRMCVDV[Asn401=]ECQRYPGRLC

ClinVar aggregate classification (germline): Likely benign (1 of 4 stars; one submission).

gnomAD v4.1: 58 of 1,612,732 alleles (0.0036%); highest among the groups gnomAD compares: East Asian, 0.076%; no homozygotes.

Submission:

CeGaT Center for Human Genetics Tuebingen
Classification: Likely benign. Last evaluated: 2026-08-01. Review status: criteria provided, single submitter. Criteria: CeGaT Center For Human Genetics Tuebingen Variant Classification Criteria Version 2. Collection method: clinical testing. Allele origin: germline. Affected: yes. Observed: 1 variant allele.
Comment: FBLN1: BP4, BP7